The following is an entry in ClinVar:

ClinVar aggregate classification (germline): Uncertain significance (1 of 4 stars; one submission).

Submission:

GeneDx
Classification: Uncertain significance. Last evaluated: 2019-06-25. Review status: criteria provided, single submitter. Criteria: GeneDx Variant Classification Process June 2021. Collection method: clinical testing. Allele origin: germline. Affected: yes.
Comment: Not observed in large population cohorts (Lek et al., 2016); In silico analysis, which includes protein predictors and evolutionary conservation, supports a deleterious effect; Has not been previously published as pathogenic or benign to our knowledge

NM_000388.4(CASR):c.2371G>A (p.Ala791Thr)

Gene: CASR (calcium sensing receptor; plus strand). Cytogenetic location: 3q21.1.
Variant type: single nucleotide variant.
Coding change: c.2371G>A on transcript NM_000388.4 (MANE Select); coding-DNA position 2371, G replaced by A.
Protein change: p.Ala791Thr; replaces alanine 791 with threonine.
Molecular consequence: missense variant.
Genome position (GRCh38, 1-based): chr3:122,284,325, G>A. VCF-style: chr3-122284325-G-A. GRCh37 (hg19) VCF-style: chr3-122003172-G-A.
Other names: c.2401G>A, p.Ala801Thr (NM_001178065.2); short protein forms A791T, A801T.
Identifiers: ClinVar variation 1306737 (VCV001306737.2), dbSNP rs2107650405, ClinGen allele CA354159650.